The following is an entry in ClinVar:

ClinVar aggregate classification (germline): Uncertain significance. Review status: criteria provided, multiple submitters, no conflicts (2 of 4 stars). 4 submissions from 4 submitters: Uncertain significance (4). Last evaluated 2025-05-11.

Conditions:
Hereditary cancer-predisposing syndrome. Also called: Neoplastic Syndromes, Hereditary; Tumor predisposition; Hereditary neoplastic syndrome; Hereditary Cancer Syndrome. Identifiers: Orphanet 140162, MedGen C0027672, MeSH D009386, MONDO:0015356.
Rhabdoid tumor predisposition syndrome 2 (RTPS2). Identifiers: Orphanet 231108, Orphanet 69077, MedGen C2750074, MONDO:0013224, OMIM 613325.

Allele frequency attached by ClinVar (database versions not stated): TOPMed below 0.00001.

Submissions (4):

Labcorp Genetics (formerly Invitae), Labcorp
Classification: Uncertain significance for Rhabdoid tumor predisposition syndrome 2. Last evaluated: 2025-05-11. Review status: criteria provided, single submitter. Criteria: Invitae Variant Classification Sherloc (09022015). Collection method: clinical testing. Allele origin: germline.
Comment: This sequence change replaces leucine, which is neutral and non-polar, with proline, which is neutral and non-polar, at codon 220 of the SMARCA4 protein (p.Leu220Pro). This variant is not present in population databases (gnomAD no frequency). This variant has not been reported in the literature in individuals affected with SMARCA4-related conditions. ClinVar contains an entry for this variant (Variation ID: 644405). Invitae Evidence Modeling of protein sequence and biophysical properties (such as structural, functional, and spatial information, amino acid conservation, physicochemical variation, residue mobility, and thermodynamic stability) indicates that this missense variant is not expected to disrupt SMARCA4 protein function with a negative predictive value of 95%. In summary, the available evidence is currently insufficient to determine the role of this variant in disease. Therefore, it has been classified as a Variant of Uncertain Significance.

Ambry Genetics
Classification: Uncertain significance for Hereditary cancer-predisposing syndrome. Last evaluated: 2024-11-20. Review status: criteria provided, single submitter. Criteria: Ambry Variant Classification Scheme 2023. Collection method: clinical testing. Allele origin: germline.
Comment: The p.L220P variant (also known as c.659T>C), located in coding exon 3 of the SMARCA4 gene, results from a T to C substitution at nucleotide position 659. The leucine at codon 220 is replaced by proline, an amino acid with similar properties. Missense and in-frame variants in SMARCA4 are known to cause neurodevelopmental disorders; however, such associations with rhabdoid tumor predisposition syndrome including small cell carcinoma of the ovary-hypercalcemic type (SCCOHT) are exceedingly rare (Kosho T et al. Am J Med Genet C Semin Med Genet. 2014 Sep;166C(3):262-75; Jelinic P et al. Nat Genet. 2014 May;46(5):424-6). This amino acid position is highly conserved in available vertebrate species. In addition, the in silico prediction for this alteration is inconclusive. Based on the supporting evidence, the association of this alteration with Coffin-Siris syndrome is unknown; however, the association of this alteration with rhabdoid tumor predisposition syndrome is unlikely.

GeneDx
Classification: Uncertain significance. Last evaluated: 2024-01-10. Review status: criteria provided, single submitter. Criteria: GeneDx Variant Classification Process June 2021. Collection method: clinical testing. Allele origin: germline. Affected: yes.
Comment: Not observed at significant frequency in large population cohorts (gnomAD); In silico analysis supports that this missense variant does not alter protein structure/function; Has not been previously published as pathogenic or benign to our knowledge

Baylor Genetics
Classification: Uncertain significance for Rhabdoid tumor predisposition syndrome 2. Last evaluated: 2023-10-31. Review status: criteria provided, single submitter. Criteria: ACMG Guidelines, 2015. Collection method: clinical testing. Allele origin: unknown.

NM_003072.5(SMARCA4):c.659T>C (p.Leu220Pro)

Gene: SMARCA4 (SWI/SNF related BAF chromatin remodeling complex subunit ATPase 4; plus strand). Cytogenetic location: 19p13.2.
Variant type: single nucleotide variant.
Coding change: c.659T>C on transcript NM_003072.5 (MANE Select); coding-DNA position 659, T replaced by C.
Protein change: p.Leu220Pro; replaces leucine 220 with proline.
Molecular consequence: missense variant. On other transcripts: non-coding transcript variant (1).
Genome position (GRCh38, 1-based): chr19:10,986,492, T>C. VCF-style: chr19-10986492-T-C. GRCh37 (hg19) VCF-style: chr19-11097168-T-C.
Other names: c.659T>C, p.Leu220Pro (NM_001128844.3, NM_001128845.2, NM_001128846.2 and 5 more transcripts); short protein forms L220P.
Identifiers: ClinVar variation 644405 (VCV000644405.16), dbSNP rs1057422480, ClinGen allele CA305286833.